The following is an entry in ClinVar:

ClinVar aggregate classification (germline): Uncertain significance. Review status: criteria provided, multiple submitters, no conflicts (2 of 4 stars). 2 submissions from 2 submitters: Uncertain significance (2). Last evaluated 2026-01-11.

Allele frequency attached by ClinVar (database versions not stated): TOPMed 0.00004; ExAC 0.00005; gnomAD exomes 0.00005.
gnomAD v4.1: 55 of 1,614,024 alleles (0.0034%); highest among the groups gnomAD compares: Admixed American, 0.018%; no homozygotes.

Submissions (2):

Labcorp Genetics (formerly Invitae), Labcorp
Classification: Uncertain significance. Last evaluated: 2026-01-11. Review status: criteria provided, single submitter. Criteria: Invitae Variant Classification Sherloc (09022015). Collection method: clinical testing. Allele origin: germline.
Comment: This sequence change replaces arginine, which is basic and polar, with cysteine, which is neutral and slightly polar, at codon 1531 of the CACNA1D protein (p.Arg1531Cys). This variant is present in population databases (rs759583357, gnomAD 0.03%). This variant has not been reported in the literature in individuals affected with CACNA1D-related conditions. ClinVar contains an entry for this variant (Variation ID: 1327864). Invitae Evidence Modeling of protein sequence and biophysical properties (such as structural, functional, and spatial information, amino acid conservation, physicochemical variation, residue mobility, and thermodynamic stability) indicates that this missense variant is not expected to disrupt CACNA1D protein function with a negative predictive value of 80%. Algorithms developed to predict the effect of sequence changes on RNA splicing suggest that this variant may disrupt the consensus splice site. In summary, the available evidence is currently insufficient to determine the role of this variant in disease. Therefore, it has been classified as a Variant of Uncertain Significance.

GeneDx
Classification: Uncertain significance. Last evaluated: 2025-07-02. Review status: criteria provided, single submitter. Criteria: GeneDx Variant Classification Process June 2021. Collection method: clinical testing. Allele origin: germline. Affected: yes.
Comment: In silico analysis supports that this missense variant has a deleterious effect on protein structure/function; Has not been previously published as pathogenic or benign to our knowledge

NM_001128840.3(CACNA1D):c.4531C>T (p.Arg1511Cys)

Gene: CACNA1D (calcium voltage-gated channel subunit alpha1 D; plus strand). Cytogenetic location: 3p21.1.
Variant type: single nucleotide variant.
Coding change: c.4531C>T on transcript NM_001128840.3 (MANE Select); coding-DNA position 4531, C replaced by T.
Protein change: p.Arg1511Cys; replaces arginine 1511 with cysteine.
Molecular consequence: missense variant.
Genome position (GRCh38, 1-based): chr3:53,776,900, C>T. VCF-style: chr3-53776900-C-T. GRCh37 (hg19) VCF-style: chr3-53810927-C-T.
Other names: c.4591C>T, p.Arg1531Cys (NM_000720.4); c.4486C>T, p.Arg1496Cys (NM_001128839.3); short protein forms R1496C, R1511C, R1531C.
Identifiers: ClinVar variation 1327864 (VCV001327864.11), dbSNP rs759583357, ClinGen allele CA2454911.